The following is an entry in ClinVar:

ClinVar aggregate classification (germline): Uncertain significance (1 of 4 stars; one submission).

Allele frequency attached by ClinVar (database versions not stated): gnomAD 0.00002; TOPMed 0.00002.
gnomAD v4.1: 5 of 1,610,442 alleles (0.00031%); highest among the groups gnomAD compares: African/African-American, 0.004%; no homozygotes.

Submission:

GeneDx
Classification: Uncertain significance. Last evaluated: 2020-01-06. Review status: criteria provided, single submitter. Criteria: GeneDx Variant Classification Process June 2021. Collection method: clinical testing. Allele origin: germline. Affected: yes.
Comment: Not observed at a significant frequency in large population cohorts (Lek et al., 2016); In silico analysis, which includes protein predictors and evolutionary conservation, supports that this variant does not alter protein structure/function; Has not been previously published as pathogenic or benign to our knowledge

NM_001160148.2(DDHD1):c.395G>T (p.Gly132Val)

Gene: DDHD1 (DDHD domain containing 1; minus strand). Cytogenetic location: 14q22.1.
Variant type: single nucleotide variant.
Coding change: c.395G>T on transcript NM_001160148.2 (MANE Select); coding-DNA position 395, G replaced by T.
Protein change: p.Gly132Val; replaces glycine 132 with valine.
Molecular consequence: missense variant.
Genome position (GRCh38, 1-based): chr14:53,152,704, C>A on the plus strand (G>T on the coding strand, the complement: DDHD1 is on the minus strand). VCF-style: chr14-53152704-C-A. GRCh37 (hg19) VCF-style: chr14-53619422-C-A.
Other names: c.395G>T, p.Gly132Val (NM_001160147.2, NM_030637.3); short protein forms G132V.
Identifiers: ClinVar variation 1311754 (VCV001311754.2), dbSNP rs1225521937, ClinGen allele CA389780917.